The following is an entry in ClinVar:

NM_000264.5(PTCH1):c.3478_3486dup (p.Thr1160_Leu1162dup)

Gene: PTCH1 (patched 1; minus strand). Cytogenetic location: 9q22.32.
Variant type: Duplication.
Coding change: c.3478_3486dup on transcript NM_000264.5 (MANE Select); coding-DNA positions 3478 to 3486, 9 bases duplicated (ACCATCCTC; older notation c.3478_3486dupACCATCCTC).
Protein change: p.Thr1160_Leu1162dup.
Molecular consequence: inframe insertion. On other transcripts: non-coding transcript variant (1).
Genome position (GRCh38, 1-based): chr9:95,449,904-95,449,912, GAGGATGGT duplicated on the plus strand (ACCATCCTC on the coding strand, the reverse complement: PTCH1 is on the minus strand); duplicating any 9 consecutive bases within chr9:95,449,904-95,449,918 gives the same sequence; the c. name uses the placement nearest the transcript's 3' end. VCF-style (leftmost placement, unchanged base first): chr9-95449903-C-CGAGGATGGT. GRCh37 (hg19) VCF-style: chr9-98212185-C-CGAGGATGGT.
Other names: c.3280_3288dup, p.Thr1094_Leu1096dup (NM_001083602.3); c.3475_3483dup, p.Thr1159_Leu1161dup (NM_001083603.3); c.3025_3033dup, p.Thr1009_Leu1011dup (NM_001083604.3, NM_001083605.3, NM_001083606.3 and 1 more transcripts); c.3322_3330dup, p.Thr1108_Leu1110dup (NM_001354918.2).
Identifiers: ClinVar variation 972508 (VCV000972508.11), dbSNP rs1838312038, ClinGen allele CA1139661039.

ClinVar aggregate classification (germline): Uncertain significance (1 of 4 stars; one submission).
ClinVar aggregate classification (somatic clinical impact): Tier I - Strong (1 of 4 stars; one submission).

Conditions:
Gorlin syndrome. Also called: Basal cell nevus syndrome; Nevoid Basal Cell Carcinoma Syndrome. Identifiers: Orphanet 377, MedGen C0004779, MONDO:0007187.
Medulloblastoma (MDB). Also called: Medulloblastoma, somatic; MEDULLOBLASTOMA PREDISPOSITION SYNDROME. Identifiers: Orphanet 616, MedGen C0025149, MeSH D008527, MONDO:0007959, OMIM 155255, HP:0002885.

Submissions (2):

Institute for Genomic Medicine (IGM) Clinical Laboratory, Nationwide Children's Hospital
Classification: Tier I - Strong for Medulloblastoma. Assertion type: diagnostic. Clinical significance: supports diagnosis. Last evaluated: 2022-11-04. Review status: criteria provided, single submitter. Criteria: AMP/ASCO/CAP Guidelines, 2017. Collection method: clinical testing. Allele origin: somatic. Affected: yes.
Comment: Variant has Tier I (strong) clinical significance as a diagnostic inclusion criterion in medulloblastoma, based on the following evidence: 1) Appears in one or more well-established professional guidelines (e.g., World Health Organization [WHO]; National Comprehensive Cancer Network [NCCN]) as providing diagnostic, prognostic, or therapeutic information. 2) Diagnostic for a specific tumor type/classification according to professional guidelines (Evidence Level A).

Labcorp Genetics (formerly Invitae), Labcorp
Classification: Uncertain significance for Gorlin syndrome. Last evaluated: 2019-10-09. Review status: criteria provided, single submitter. Criteria: Invitae Variant Classification Sherloc (09022015). Collection method: clinical testing. Allele origin: germline.
Comment: Experimental studies and prediction algorithms are not available or were not evaluated, and the functional significance of this variant is currently unknown. In summary, the available evidence is currently insufficient to determine the role of this variant in disease. Therefore, it has been classified as a Variant of Uncertain Significance. This variant has not been reported in the literature in individuals with PTCH1-related conditions. This variant is not present in population databases (ExAC no frequency). This variant, c.3478_3486dup, results in the insertion of 3 amino acid(s) to the PTCH1 protein (p.Thr1160_Leu1162dup), but otherwise preserves the integrity of the reading frame.